The following is an entry in ClinVar:

NM_000180.4(GUCY2D):c.2997del (p.Phe999fs)

Gene: GUCY2D (guanylate cyclase 2D, retinal; plus strand). Cytogenetic location: 17p13.1.
Variant type: Deletion.
Coding change: c.2997del on transcript NM_000180.4 (MANE Select); coding-DNA position 2997, one base deleted (T; older notation c.2997delT).
Protein change: p.Phe999fs; shifts the reading frame from phenylalanine 999.
Molecular consequence: frameshift variant.
Genome position (GRCh38, 1-based): chr17:8,015,795, T deleted; the last of 3 consecutive T bases (chr17:8,015,793-8,015,795); deleting any one gives the same sequence. VCF-style (leftmost placement, unchanged base first): chr17-8015792-GT-G. GRCh37 (hg19) VCF-style: chr17-7919110-GT-G.
Other names: short protein forms F999fs.
Identifiers: ClinVar variation 974653 (VCV000974653.4), dbSNP rs1975957618, ClinGen allele CA1139664116.
Genomic context (GRCh38, chr17:8,015,792, plus strand): 5'-CATCTCCACAGGTCCATGCGTGGCAGGCGTGGTGGGCCTCACCATGCCGCGGTACTGCCT[GT>G]TTGGGGACACGGTCAACACCGCCTCGCGCATGGAGTCCACCGGGCTGCGTGAGTGTGACG-3'

ClinVar aggregate classification (germline): Pathogenic. Review status: criteria provided, single submitter (1 of 4 stars). 2 submissions from 2 submitters: Pathogenic (1). 1 of the submissions does not count toward it. Last evaluated 2023-11-28.

Conditions:
Cone-rod dystrophy 6 (CORD6). Also called: Cone dystrophy progressive; RETINAL CONE DYSTROPHY 2. Identifiers: Orphanet 1872, MedGen C1866293, MONDO:0011143, OMIM 601777.
Leber congenital amaurosis 1 (LCA1). Also called: Congenital absence of the rods and cones; Leber's congenital tapetoretinal degeneration; Leber's congenital tapetoretinal dysplasia; AMAUROSIS CONGENITA OF LEBER I; RETINAL BLINDNESS, CONGENITAL. Identifiers: Orphanet 65, MedGen C2931258, MONDO:0008764, OMIM 204000.

Submissions (2):

Labcorp Genetics (formerly Invitae), Labcorp
Classification: Pathogenic for Leber congenital amaurosis 1; Cone-rod dystrophy 6. Last evaluated: 2023-11-28. Review status: criteria provided, single submitter. Criteria: Invitae Variant Classification Sherloc (09022015). Collection method: clinical testing. Allele origin: germline.
Comment: This sequence change creates a premature translational stop signal (p.Phe999Leufs*22) in the GUCY2D gene. It is expected to result in an absent or disrupted protein product. Loss-of-function variants in GUCY2D are known to be pathogenic (PMID: 10951519, 11328726). This variant is not present in population databases (gnomAD no frequency). This variant has not been reported in the literature in individuals affected with GUCY2D-related conditions. ClinVar contains an entry for this variant (Variation ID: 974653). For these reasons, this variant has been classified as Pathogenic.

Laboratory of Genetics in Ophthalmology, Institut Imagine
Classification: Pathogenic for Leber congenital amaurosis 1. Review status: no assertion criteria provided. Collection method: research. Allele origin: inherited. Affected: yes. Observed: 1 variant allele. Not counted in ClinVar's aggregate classification.

Literature cited by the submitters: PubMed 10951519 (cited by Labcorp Genetics (formerly Invitae), Labcorp); PubMed 11328726 (cited by Labcorp Genetics (formerly Invitae), Labcorp).